The following is an entry in ClinVar:

ClinVar aggregate classification (germline): Pathogenic (1 of 4 stars; one submission).

Conditions:
Deficiency of adenosine deaminase 2. Also called: Adenosine Deaminase 2 Deficiency; VASCULITIS, AUTOINFLAMMATION, IMMUNODEFICIENCY, AND HEMATOLOGIC DEFECTS SYNDROME; Polyarteritis nodosa, childhoood-onset. Identifiers: Orphanet 404553, MedGen C3887654, MONDO:0014306, OMIM 615688, MONDO:0100317.

Submission:

Labcorp Genetics (formerly Invitae), Labcorp
Classification: Pathogenic for Deficiency of adenosine deaminase 2. Last evaluated: 2022-09-16. Review status: criteria provided, single submitter. Criteria: Invitae Variant Classification Sherloc (09022015). Collection method: clinical testing. Allele origin: germline.
Comment: For these reasons, this variant has been classified as Pathogenic. This sequence change creates a premature translational stop signal (p.Phe80Serfs*23) in the ADA2 gene. It is expected to result in an absent or disrupted protein product. Loss-of-function variants in ADA2 are known to be pathogenic (PMID: 24552284, 24552285). This variant is not present in population databases (gnomAD no frequency). This variant has not been reported in the literature in individuals affected with ADA2-related conditions.

Literature cited by the submitters: PubMed 24552284; PubMed 24552285.

NM_001282225.2(ADA2):c.239del (p.Phe80fs)

Gene: ADA2 (adenosine deaminase 2; minus strand). Cytogenetic location: 22q11.1.
Variant type: Deletion.
Coding change: c.239del on transcript NM_001282225.2 (MANE Select); coding-DNA position 239, one base deleted (T; older notation c.239delT).
Protein change: p.Phe80fs; shifts the reading frame from phenylalanine 80.
Molecular consequence: frameshift variant. On other transcripts: intron variant (1).
Genome position (GRCh38, 1-based): chr22:17,209,439, A deleted on the plus strand (T on the coding strand, the reverse complement: ADA2 is on the minus strand); the first of 2 consecutive A bases (chr22:17,209,439-17,209,440); deleting either gives the same sequence. VCF-style (leftmost placement, unchanged base first): chr22-17209438-GA-G. GRCh37 (hg19) VCF-style: chr22-17690328-GA-G.
Other names: c.239del, p.Phe80fs (NM_001282226.2); c.113del, p.Phe38fs (NM_001282227.2, NM_001282228.2); c.-38-2149del (NM_001282229.2); short protein forms F38fs, F80fs.
Identifiers: ClinVar variation 2005909 (VCV002005909.4), dbSNP rs2517360414, ClinGen allele CA2580099073.